The following is an entry in ClinVar:

NM_000632.4(ITGAM):c.1371C>G (p.Phe457Leu)

Gene: ITGAM (integrin subunit alpha M; plus strand). Cytogenetic location: 16p11.2.
Variant type: single nucleotide variant.
Coding change: c.1371C>G on transcript NM_000632.4 (MANE Select); coding-DNA position 1371, C replaced by G.
Protein change: p.Phe457Leu; replaces phenylalanine 457 with leucine.
Molecular consequence: missense variant.
Genome position (GRCh38, 1-based): chr16:31,297,528, C>G. VCF-style: chr16-31297528-C-G. GRCh37 (hg19) VCF-style: chr16-31308849-C-G.
Other names: c.1371C>G, p.Phe457Leu (NM_001145808.2); short protein forms F457L.
Identifiers: ClinVar variation 2835896 (VCV002835896.3), dbSNP rs774447380, ClinGen allele CA395669027.

ClinVar aggregate classification (germline): Uncertain significance (1 of 4 stars; one submission).

Submission:

Labcorp Genetics (formerly Invitae), Labcorp
Classification: Uncertain significance. Last evaluated: 2023-02-09. Review status: criteria provided, single submitter. Criteria: Invitae Variant Classification Sherloc (09022015). Collection method: clinical testing. Allele origin: germline.
Comment: In summary, the available evidence is currently insufficient to determine the role of this variant in disease. Therefore, it has been classified as a Variant of Uncertain Significance. Algorithms developed to predict the effect of missense changes on protein structure and function are either unavailable or do not agree on the potential impact of this missense change (SIFT: "Deleterious"; PolyPhen-2: "Probably Damaging"; Align-GVGD: "Class C15"). This variant has not been reported in the literature in individuals affected with ITGAM-related conditions. This variant is not present in population databases (gnomAD no frequency). This sequence change replaces phenylalanine, which is neutral and non-polar, with leucine, which is neutral and non-polar, at codon 457 of the ITGAM protein (p.Phe457Leu).